The following is an entry in ClinVar:

ClinVar aggregate classification (germline): Uncertain significance. Review status: criteria provided, multiple submitters, no conflicts (2 of 4 stars). 2 submissions from 2 submitters: Uncertain significance (2). Last evaluated 2025-04-14.

Conditions:
Inborn genetic diseases. Identifiers: MedGen C0950123, MeSH D030342.

Allele frequency attached by ClinVar (database versions not stated): gnomAD exomes 0.00007 and 0.00003; ExAC 0.00008; 1000 Genomes Project 0.00020; 1000 Genomes Project 30x 0.00016; gnomAD 0.00006; TOPMed 0.00006.
gnomAD v4.1: 48 of 1,610,518 alleles (0.003%); highest among the groups gnomAD compares: African/African-American, 0.02%; no homozygotes.

Submissions (2):

Ambry Genetics
Classification: Uncertain significance for Inborn genetic diseases. Last evaluated: 2025-04-14. Review status: criteria provided, single submitter. Criteria: Ambry Variant Classification Scheme 2023. Collection method: clinical testing. Allele origin: germline.

Labcorp Genetics (formerly Invitae), Labcorp
Classification: Uncertain significance. Last evaluated: 2022-04-12. Review status: criteria provided, single submitter. Criteria: Invitae Variant Classification Sherloc (09022015). Collection method: clinical testing. Allele origin: germline.
Comment: This sequence change replaces glycine, which is neutral and non-polar, with serine, which is neutral and polar, at codon 138 of the SLC9A3 protein (p.Gly138Ser). This variant is present in population databases (rs375884736, gnomAD 0.04%). This variant has not been reported in the literature in individuals affected with SLC9A3-related conditions. Algorithms developed to predict the effect of missense changes on protein structure and function output the following: SIFT: "Not Available"; PolyPhen-2: "Benign"; Align-GVGD: "Not Available". The serine amino acid residue is found in multiple mammalian species, which suggests that this missense change does not adversely affect protein function. In summary, the available evidence is currently insufficient to determine the role of this variant in disease. Therefore, it has been classified as a Variant of Uncertain Significance.

NM_004174.4(SLC9A3):c.412G>A (p.Gly138Ser)

Gene: SLC9A3 (solute carrier family 9 member A3). Cytogenetic location: 5p15.33.
Variant type: single nucleotide variant.
Coding change: c.412G>A on transcript NM_004174.4 (MANE Select); coding-DNA position 412, G replaced by A.
Protein change: p.Gly138Ser; replaces glycine 138 with serine.
Molecular consequence: missense variant.
Genome position (GRCh38, 1-based): chr5:491,871, C>T on the plus strand (G>A on the coding strand, the complement: SLC9A3 is on the minus strand). VCF-style: chr5-491871-C-T. GRCh37 (hg19) VCF-style: chr5-491986-C-T.
Other names: c.412G>A, p.Gly138Ser (NM_001284351.3); c.412G>A (NM_004174.2); short protein forms G138S.
Identifiers: ClinVar variation 1410984 (VCV001410984.6), dbSNP rs375884736, ClinGen allele CA3176344.
Genomic context (GRCh38, chr5:491,871, plus strand): 5'-TGGTGGCCGCGTTCCACACGGTACCCACGACGGCGTACAACAGGATGGTCCCCAGGTTGC[C>T]GAAGAAGAGGCGGTTGGGCATGAAGTAGCCGGCGTCCAGCACGATGGGGGGCAGCAGGTA-3'
Protein context (NP_004165.2, residues 128-148): GYFMPNRLFF[Gly138Ser]NLGTILLYAV